The following is an entry in ClinVar:

NM_033343.4(LHX4):c.1158T>A (p.Asp386Glu)

Genes: ACBD6 (acyl-CoA binding domain containing 6; minus strand), LHX4 (LIM homeobox 4; plus strand), LHX4-AS1 (LHX4 antisense RNA 1; minus strand). Cytogenetic location: 1q25.2.
Variant type: single nucleotide variant.
Coding change: c.1158T>A on transcript NM_033343.4 (MANE Select); coding-DNA position 1158, T replaced by A.
Protein change: p.Asp386Glu; replaces aspartic acid 386 with glutamic acid.
Molecular consequence: missense variant.
Genome position (GRCh38, 1-based): chr1:180,274,564, T>A. VCF-style: chr1-180274564-T-A. GRCh37 (hg19) VCF-style: chr1-180243699-T-A.
Other names: short protein forms D386E.
Identifiers: ClinVar variation 2193254 (VCV002193254.4), dbSNP rs764386568, ClinGen allele CA1272098.

ClinVar aggregate classification (germline): Uncertain significance (1 of 4 stars; one submission).

Allele frequency attached by ClinVar (database versions not stated): gnomAD 0.00001; ExAC 0.00002.
gnomAD v4.1: 15 of 1,580,094 alleles (0.00095%); highest among the groups gnomAD compares: Admixed American, 0.0034%; no homozygotes.

Submission:

Labcorp Genetics (formerly Invitae), Labcorp
Classification: Uncertain significance. Last evaluated: 2022-08-09. Review status: criteria provided, single submitter. Criteria: Invitae Variant Classification Sherloc (09022015). Collection method: clinical testing. Allele origin: germline.
Comment: Algorithms developed to predict the effect of missense changes on protein structure and function are either unavailable or do not agree on the potential impact of this missense change (SIFT: "Deleterious"; PolyPhen-2: "Benign"; Align-GVGD: "Class C0"). This variant has not been reported in the literature in individuals affected with LHX4-related conditions. In summary, the available evidence is currently insufficient to determine the role of this variant in disease. Therefore, it has been classified as a Variant of Uncertain Significance. This variant is present in population databases (rs764386568, gnomAD 0.01%). This sequence change replaces aspartic acid, which is acidic and polar, with glutamic acid, which is acidic and polar, at codon 386 of the LHX4 protein (p.Asp386Glu).